The following is an entry in ClinVar:

ClinVar aggregate classification (germline): Uncertain significance. Review status: criteria provided, multiple submitters, no conflicts (2 of 4 stars). 2 submissions from 2 submitters: Uncertain significance (2). Last evaluated 2025-12-03.

Allele frequency attached by ClinVar (database versions not stated): gnomAD 0.00003.
gnomAD v4.1: 18 of 1,613,876 alleles (0.0011%); highest among the groups gnomAD compares: African/African-American, 0.004%; no homozygotes.

Submissions (3):

GeneDx
Classification: Uncertain significance. Last evaluated: 2025-12-03. Review status: criteria provided, single submitter. Criteria: GeneDx Variant Classification Process June 2021. Collection method: clinical testing. Allele origin: germline.
Comment: Not observed at significant frequency in large population cohorts (gnomAD); In silico analysis suggests that this missense variant does not alter protein structure/function; Has not been previously published as pathogenic or benign to our knowledge

CeGaT Center for Human Genetics Tuebingen
Classification: Uncertain significance. Last evaluated: 2016-09-01. Review status: criteria provided, single submitter. Criteria: CeGaT Center For Human Genetics Tuebingen Variant Classification Criteria Version 2. Collection method: clinical testing. Allele origin: germline. Affected: yes. Observed: 1 variant allele.

Dr. Peter K. Rogan Lab, Western University
No classification provided (evidence only). Condition: Squamous cell carcinoma of the head and neck. Review status: no classification provided. Collection method: in vitro. Allele origin: not applicable. Functional consequence: retained intron. Not counted in ClinVar's aggregate classification.

NM_182961.4(SYNE1):c.14186C>T (p.Ala4729Val)

Gene: SYNE1 (spectrin repeat containing nuclear envelope protein 1; minus strand). Cytogenetic location: 6q25.2.
Variant type: single nucleotide variant.
Coding change: c.14186C>T on transcript NM_182961.4 (MANE Select); coding-DNA position 14186, C replaced by T.
Protein change: p.Ala4729Val; replaces alanine 4729 with valine.
Molecular consequence: missense variant.
Genome position (GRCh38, 1-based): chr6:152,330,499, G>A on the plus strand (C>T on the coding strand, the complement: SYNE1 is on the minus strand). VCF-style: chr6-152330499-G-A. GRCh37 (hg19) VCF-style: chr6-152651634-G-A.
Other names: NC_000006.11:g.152651634G>A; c.13973C>T (NM_033071.3); c.13973C>T, p.Ala4658Val (NM_033071.5); short protein forms A4729V, A4658V.
Identifiers: ClinVar variation 810018 (VCV000810018.45), dbSNP rs749275993, ClinGen allele CA366098555.